The following is an entry in ClinVar:

NM_005591.4(MRE11):c.469A>T (p.Met157Leu)

Gene: MRE11 (MRE11 double strand break repair nuclease; minus strand). Cytogenetic location: 11q21.
Variant type: single nucleotide variant.
Coding change: c.469A>T on transcript NM_005591.4 (MANE Select); coding-DNA position 469, A replaced by T.
Protein change: p.Met157Leu; replaces methionine 157 with leucine.
Molecular consequence: missense variant.
Genome position (GRCh38, 1-based): chr11:94,478,810, T>A on the plus strand (A>T on the coding strand, the complement: MRE11 is on the minus strand). VCF-style: chr11-94478810-T-A. GRCh37 (hg19) VCF-style: chr11-94211976-T-A.
Other names: c.469A>T, p.Met157Leu (NM_001330347.2, NM_005590.4); short protein forms M157L.
Identifiers: ClinVar variation 2007527 (VCV002007527.4), dbSNP rs147771140, ClinGen allele CA382377544.
Genomic context (GRCh38, chr11:94,478,810, plus strand): 5'-CAATCTTTGTGCTTCCTTTTTGAAGCAAAACCGGACTAATGTCTATCTTCTCCACAGACA[T>A]TGAACGTCCAAAGTGATTTACAAATCCAGCACAACTTAAAATGTCCAAGGCACAAAGTGC-3'
Protein context (NP_005582.1, residues 147-167): AGFVNHFGRS[Met157Leu]SVEKIDISPV

ClinVar aggregate classification (germline): Uncertain significance (1 of 4 stars; one submission).

Conditions:
Ataxia-telangiectasia-like disorder (ATLD). Identifiers: MedGen C1858391, MONDO:0011457.

Submission:

Labcorp Genetics (formerly Invitae), Labcorp
Classification: Uncertain significance for Ataxia-telangiectasia-like disorder. Last evaluated: 2022-06-16. Review status: criteria provided, single submitter. Criteria: Invitae Variant Classification Sherloc (09022015). Collection method: clinical testing. Allele origin: germline.
Comment: This sequence change replaces methionine, which is neutral and non-polar, with leucine, which is neutral and non-polar, at codon 157 of the MRE11 protein (p.Met157Leu). This variant is not present in population databases (gnomAD no frequency). In summary, the available evidence is currently insufficient to determine the role of this variant in disease. Therefore, it has been classified as a Variant of Uncertain Significance. Algorithms developed to predict the effect of missense changes on protein structure and function output the following: SIFT: "Tolerated"; PolyPhen-2: "Benign"; Align-GVGD: "Class C0". The leucine amino acid residue is found in multiple mammalian species, which suggests that this missense change does not adversely affect protein function. This variant has not been reported in the literature in individuals affected with MRE11-related conditions.